The following is an entry in ClinVar:

NM_000059.4(BRCA2):c.2264C>A (p.Ser755Tyr)

Gene: BRCA2 (BRCA2 DNA repair associated; plus strand). Cytogenetic location: 13q13.1.
Variant type: single nucleotide variant.
Coding change: c.2264C>A on transcript NM_000059.4 (MANE Select); coding-DNA position 2264, C replaced by A.
Protein change: p.Ser755Tyr; replaces serine 755 with tyrosine.
Molecular consequence: missense variant.
Genome position (GRCh38, 1-based): chr13:32,336,619, C>A. VCF-style: chr13-32336619-C-A. GRCh37 (hg19) VCF-style: chr13-32910756-C-A.
Other names: c.2264C>A, p.Ser755Tyr (NM_001406719.1, NM_001406720.1); short protein forms S755Y.
Identifiers: ClinVar variation 2040313 (VCV002040313.7), dbSNP rs876659060, ClinGen allele CA387771032.

ClinVar aggregate classification (germline): Conflicting classifications of pathogenicity. Review status: criteria provided, conflicting classifications (1 of 4 stars). 3 submissions from 3 submitters: Uncertain significance (2); Likely benign (1). Last evaluated 2024-11-04.

Conditions:
Hereditary breast ovarian cancer syndrome. Also called: Hereditary breast and ovarian cancer syndrome (HBOC); Breast and ovarian cancer; Hereditary breast and ovarian cancer syndrome; Hereditary breast and/or ovarian cancer syndrome; BRCA1- and BRCA2-Associated Hereditary Breast and Ovarian Cancer; Hereditary breast and ovarian cancer. Identifiers: Orphanet 145, MedGen C0677776, MeSH D061325, MONDO:0003582. Disease mechanism: loss of function.
Hereditary cancer-predisposing syndrome. Also called: Neoplastic Syndromes, Hereditary; Hereditary Cancer Syndrome; Tumor predisposition; Hereditary neoplastic syndrome. Identifiers: Orphanet 140162, MedGen C0027672, MeSH D009386, MONDO:0015356.

Submissions (3):

Ambry Genetics
Classification: Uncertain significance for Hereditary cancer-predisposing syndrome. Last evaluated: 2024-11-04. Review status: criteria provided, single submitter. Criteria: Ambry Variant Classification Scheme 2023. Collection method: clinical testing. Allele origin: germline.
Comment: The p.S755Y variant (also known as c.2264C>A), located in coding exon 10 of the BRCA2 gene, results from a C to A substitution at nucleotide position 2264. The serine at codon 755 is replaced by tyrosine, an amino acid with dissimilar properties. This amino acid position is conserved. In addition, the in silico prediction for this alteration is inconclusive. Based on the available evidence, the clinical significance of this variant remains unclear.

University of Washington Department of Laboratory Medicine, University of Washington
Classification: Likely benign for Hereditary cancer-predisposing syndrome. Last evaluated: 2023-03-23. Review status: criteria provided, single submitter. Criteria: Dines et al. (Genet Med. 2020). Collection method: curation. Allele origin: germline.
Comment: Missense variant in a coldspot region where missense variants are very unlikely to be pathogenic (PMID:31911673).

BRCA2 exon 11 coldspot. Reclassification based on statistical prior probability.

Labcorp Genetics (formerly Invitae), Labcorp
Classification: Uncertain significance for Hereditary breast ovarian cancer syndrome. Last evaluated: 2022-09-20. Review status: criteria provided, single submitter. Criteria: Invitae Variant Classification Sherloc (09022015). Collection method: clinical testing. Allele origin: germline.
Comment: Advanced modeling of protein sequence and biophysical properties (such as structural, functional, and spatial information, amino acid conservation, physicochemical variation, residue mobility, and thermodynamic stability) performed at Invitae indicates that this missense variant is not expected to disrupt BRCA2 protein function. In summary, the available evidence is currently insufficient to determine the role of this variant in disease. Therefore, it has been classified as a Variant of Uncertain Significance. This variant is not present in population databases (gnomAD no frequency). This variant has not been reported in the literature in individuals affected with BRCA2-related conditions. This sequence change replaces serine, which is neutral and polar, with tyrosine, which is neutral and polar, at codon 755 of the BRCA2 protein (p.Ser755Tyr).